The following is an entry in ClinVar:

NM_000203.5(IDUA):c.5G>C (p.Arg2Pro)

Genes: SLC26A1 (solute carrier family 26 member 1; minus strand), IDUA (alpha-L-iduronidase; plus strand). Cytogenetic location: 4p16.3.
Variant type: single nucleotide variant.
Coding change: c.5G>C on transcript NM_000203.5 (MANE Select); coding-DNA position 5, G replaced by C.
Protein change: p.Arg2Pro; replaces arginine 2 with proline.
Molecular consequence: missense variant. On other transcripts: non-coding transcript variant (1), intron variant (1).
Genome position (GRCh38, 1-based): chr4:987,089, G>C. VCF-style: chr4-987089-G-C. GRCh37 (hg19) VCF-style: chr4-980877-G-C.
Other names: c.576+4039C>G (NM_134425.4); short protein forms R2P.
Identifiers: ClinVar variation 1952762 (VCV001952762.2), dbSNP rs1327366420, ClinGen allele CA355945222.
Genomic context (GRCh38, chr4:987,089, plus strand): 5'-GGAGGCGGAACCGGCAGTGCAGCCCGAAGCCCCGCAGTCCCCGAGCACGCGTGGCCATGC[G>C]TCCCCTGCGCCCCCGCGCCGCGCTGCTGGCGCTCCTGGCCTCGCTCCTGGCCGCGCCCCC-3'
Protein context (NP_000194.2, residues 1-12): M[Arg2Pro]PLRPRAALLA

ClinVar aggregate classification (germline): Uncertain significance (1 of 4 stars; one submission).

Conditions:
Mucopolysaccharidosis type 1. Also called: IDUA deficiency; MPS I; Mucopolysaccharidosis Type I. Identifiers: Orphanet 579, MedGen C0023786, MONDO:0001586.

Submission:

Labcorp Genetics (formerly Invitae), Labcorp
Classification: Uncertain significance for Mucopolysaccharidosis type 1. Last evaluated: 2021-09-17. Review status: criteria provided, single submitter. Criteria: Invitae Variant Classification Sherloc (09022015). Collection method: clinical testing. Allele origin: germline.
Comment: This sequence change replaces arginine with proline at codon 2 of the IDUA protein (p.Arg2Pro). The arginine residue is weakly conserved and there is a moderate physicochemical difference between arginine and proline. The frequency data for this variant in the population databases is considered unreliable, as metrics indicate insufficient coverage at this position in the ExAC database. This variant has not been reported in the literature in individuals with IDUA-related conditions. Algorithms developed to predict the effect of missense changes on protein structure and function are either unavailable or do not agree on the potential impact of this missense change (SIFT: "Deleterious"; PolyPhen-2: "Not Available"; Align-GVGD: "Class C0"). In summary, the available evidence is currently insufficient to determine the role of this variant in disease. Therefore, it has been classified as a Variant of Uncertain Significance.